The following is an entry in ClinVar:

ClinVar aggregate classification (germline): Uncertain significance. Review status: criteria provided, multiple submitters, no conflicts (2 of 4 stars). 2 submissions from 2 submitters: Uncertain significance (2). Last evaluated 2024-12-24.

Conditions:
Immunodeficiency 51 (IMD51). Also called: CANDIDIASIS, FAMILIAL, 5. Identifiers: Orphanet 1334, MedGen C4310803, MONDO:0013500, OMIM 613953.

Allele frequency attached by ClinVar (database versions not stated): gnomAD exomes 0.00001; TOPMed 0.00001; ExAC 0.00002.

Submissions (2):

Ambry Genetics
Classification: Uncertain significance. Last evaluated: 2024-12-24. Review status: criteria provided, single submitter. Criteria: Ambry Variant Classification Scheme 2023. Collection method: clinical testing. Allele origin: germline.

Labcorp Genetics (formerly Invitae), Labcorp
Classification: Uncertain significance for Immunodeficiency 51. Last evaluated: 2021-09-01. Review status: criteria provided, single submitter. Criteria: Invitae Variant Classification Sherloc (09022015). Collection method: clinical testing. Allele origin: germline.
Comment: This sequence change replaces alanine with valine at codon 519 of the IL17RA protein (p.Ala519Val). The alanine residue is weakly conserved and there is a small physicochemical difference between alanine and valine. This variant is present in population databases (rs761253685, ExAC 0.004%). This variant has not been reported in the literature in individuals affected with IL17RA-related conditions. Algorithms developed to predict the effect of missense changes on protein structure and function (SIFT, PolyPhen-2, Align-GVGD) all suggest that this variant is likely to be tolerated. In summary, the available evidence is currently insufficient to determine the role of this variant in disease. Therefore, it has been classified as a Variant of Uncertain Significance.

NM_014339.7(IL17RA):c.1556C>T (p.Ala519Val)

Gene: IL17RA (interleukin 17 receptor A; plus strand). Cytogenetic location: 22q11.1.
Variant type: single nucleotide variant.
Coding change: c.1556C>T on transcript NM_014339.7 (MANE Select); coding-DNA position 1556, C replaced by T.
Protein change: p.Ala519Val; replaces alanine 519 with valine.
Molecular consequence: missense variant.
Genome position (GRCh38, 1-based): chr22:17,108,775, C>T. VCF-style: chr22-17108775-C-T. GRCh37 (hg19) VCF-style: chr22-17589665-C-T.
Other names: c.1454C>T, p.Ala485Val (NM_001289905.2); c.1556C>T (NM_014339.5); short protein forms A485V, A519V.
Identifiers: ClinVar variation 1519551 (VCV001519551.6), dbSNP rs761253685, ClinGen allele CA10086789.